The following is an entry in ClinVar:

NM_018292.5(QRSL1):c.141G>A (p.Val47=)

Gene: QRSL1 (glutaminyl-tRNA amidotransferase subunit QRSL1; plus strand). Cytogenetic location: 6q21.
Variant type: single nucleotide variant.
Coding change: c.141G>A on transcript NM_018292.5 (MANE Select); coding-DNA position 141, G replaced by A.
Protein change: p.Val47=; no amino-acid change (valine 47 retained).
Molecular consequence: synonymous variant.
Genome position (GRCh38, 1-based): chr6:106,640,465, G>A. VCF-style: chr6-106640465-G-A. GRCh37 (hg19) VCF-style: chr6-107088340-G-A.
Identifiers: ClinVar variation 1879671 (VCV001879671.32), dbSNP rs758616388, ClinGen allele CA3944677.

ClinVar aggregate classification (germline): Likely benign. Review status: criteria provided, multiple submitters, no conflicts (2 of 4 stars). 2 submissions from 2 submitters: Likely benign (2). Last evaluated 2023-10-26.

Allele frequency attached by ClinVar (database versions not stated): gnomAD 0.00002; gnomAD exomes 0.00003; ExAC 0.00004; TOPMed 0.00006.
gnomAD v4.1: 49 of 1,599,824 alleles (0.0031%); highest among the groups gnomAD compares: Admixed American, 0.02%; no homozygotes.

Submissions (2):

Labcorp Genetics (formerly Invitae), Labcorp
Classification: Likely benign. Last evaluated: 2023-10-26. Review status: criteria provided, single submitter. Criteria: Invitae Variant Classification Sherloc (09022015). Collection method: clinical testing. Allele origin: germline.

CeGaT Center for Human Genetics Tuebingen
Classification: Likely benign. Last evaluated: 2022-12-01. Review status: criteria provided, single submitter. Criteria: CeGaT Center For Human Genetics Tuebingen Variant Classification Criteria Version 2. Collection method: clinical testing. Allele origin: germline. Affected: yes. Observed: 1 variant allele.
Comment: QRSL1: BP4, BP7